The following is an entry in ClinVar:

NM_138494.3(ZNF655):c.468C>T (p.Thr156=)

Gene: ZNF655 (zinc finger protein 655; plus strand). Cytogenetic location: 7q22.1.
Variant type: single nucleotide variant.
Coding change: c.468C>T on transcript NM_138494.3 (MANE Select); coding-DNA position 468, C replaced by T.
Protein change: p.Thr156=; no amino-acid change (threonine 156 retained).
Molecular consequence: synonymous variant.
Genome position (GRCh38, 1-based): chr7:99,572,576, C>T. VCF-style: chr7-99572576-C-T. GRCh37 (hg19) VCF-style: chr7-99170199-C-T.
Other names: c.573C>T, p.Thr191= (NM_001083956.2, NM_001085368.1, NM_001363332.1 and 1 more transcripts); c.468C>T, p.Thr156= (NM_001363334.1, NM_001009960.1).
Identifiers: ClinVar variation 2657722 (VCV002657722.24), dbSNP rs143554866, ClinGen allele CA4367672.

ClinVar aggregate classification (germline): Likely benign (1 of 4 stars; one submission).

Allele frequency attached by ClinVar (database versions not stated): 1000 Genomes Project 0.00040; 1000 Genomes Project 30x 0.00047; TOPMed 0.00212; gnomAD 0.00217; ExAC 0.00225; ESP Exome Variant Server 0.00231; gnomAD exomes 0.00420.
gnomAD v4.1: 6,383 of 1,613,752 alleles (0.4%); highest among the groups gnomAD compares: Non-Finnish European, 0.5%; 16 homozygotes.

Submission:

CeGaT Center for Human Genetics Tuebingen
Classification: Likely benign. Last evaluated: 2023-05-01. Review status: criteria provided, single submitter. Criteria: CeGaT Center For Human Genetics Tuebingen Variant Classification Criteria Version 2. Collection method: clinical testing. Allele origin: germline. Affected: yes. Observed: 1 variant allele.
Comment: ZNF655: BP4, BP7, BS2